The following is an entry in ClinVar:

NM_004787.4(SLIT2):c.260T>G (p.Met87Arg)

Gene: SLIT2 (slit guidance ligand 2; plus strand). Cytogenetic location: 4p15.31.
Variant type: single nucleotide variant.
Coding change: c.260T>G on transcript NM_004787.4 (MANE Select); coding-DNA position 260, T replaced by G.
Protein change: p.Met87Arg; replaces methionine 87 with arginine.
Molecular consequence: missense variant.
Genome position (GRCh38, 1-based): chr4:20,257,876, T>G. VCF-style: chr4-20257876-T-G. GRCh37 (hg19) VCF-style: chr4-20259499-T-G.
Other names: c.260T>G, p.Met87Arg (NM_001289135.3, NM_001289136.3); short protein forms M87R.
Identifiers: ClinVar variation 2631823 (VCV002631823.1), dbSNP rs2474604772, ClinGen allele CA356506599.

ClinVar aggregate classification (germline): Uncertain significance (1 of 4 stars; one submission).

Conditions:
SLIT2-related disorder. Also called: SLIT2-related condition.

Submission:

PreventionGenetics, part of Exact Sciences
Classification: Uncertain significance for SLIT2-related condition. Last evaluated: 2023-07-13. Review status: criteria provided, single submitter. Criteria: ACMG Guidelines, 2015. Collection method: clinical testing. Allele origin: germline.
Comment: The SLIT2 c.260T>G variant is predicted to result in the amino acid substitution p.Met87Arg. To our knowledge, this variant has not been reported in the literature or in a large population database, indicating this variant is rare. At this time, the clinical significance of this variant is uncertain due to the absence of conclusive functional and genetic evidence.